The following is an entry in ClinVar:

ClinVar aggregate classification (germline): Uncertain significance. Review status: criteria provided, multiple submitters, no conflicts (2 of 4 stars). 4 submissions from 4 submitters: Uncertain significance (4). Last evaluated 2025-12-19.

Conditions:
Parkinsonian-pyramidal syndrome. Also called: PARKINSON DISEASE 15, AUTOSOMAL RECESSIVE EARLY-ONSET; PARKINSON DISEASE 15, AUTOSOMAL RECESSIVE; PALLIDOPYRAMIDAL SYNDROME. Identifiers: Orphanet 171695, MedGen C1850100, MONDO:0009830, OMIM 260300.

Allele frequency attached by ClinVar (database versions not stated): TOPMed 0.00010; gnomAD exomes 0.00015 and 0.00022; gnomAD 0.00016; ExAC 0.00030; ESP Exome Variant Server 0.00031.
gnomAD v4.1: 244 of 1,614,020 alleles (0.015%); highest among the groups gnomAD compares: South Asian, 0.079%; 1 homozygote.

Submissions (7):

GeneDx
Classification: Uncertain significance. Last evaluated: 2025-12-19. Review status: criteria provided, single submitter. Criteria: GeneDx Variant Classification Process June 2021. Collection method: clinical testing. Allele origin: germline.
Comment: Observed in individuals with Parkinson disease including one with another variant in the same gene as well as an additional variant (PMID: 32707456); In silico analysis suggests that this missense variant does not alter protein structure/function; This variant is associated with the following publications: (PMID: 32707456, 34979677, 40335451)

Labcorp Genetics (formerly Invitae), Labcorp
Classification: Uncertain significance for Parkinsonian-pyramidal syndrome. Last evaluated: 2024-10-24. Review status: criteria provided, single submitter. Criteria: Invitae Variant Classification Sherloc (09022015). Collection method: clinical testing. Allele origin: germline.
Comment: This sequence change replaces aspartic acid, which is acidic and polar, with histidine, which is basic and polar, at codon 92 of the FBXO7 protein (p.Asp92His). This variant is present in population databases (rs139135860, gnomAD 0.07%). This missense change has been observed in individual(s) with Parkinson disease (PMID: 32707456). ClinVar contains an entry for this variant (Variation ID: 341308). Invitae Evidence Modeling of protein sequence and biophysical properties (such as structural, functional, and spatial information, amino acid conservation, physicochemical variation, residue mobility, and thermodynamic stability) indicates that this missense variant is not expected to disrupt FBXO7 protein function with a negative predictive value of 80%. In summary, the available evidence is currently insufficient to determine the role of this variant in disease. Therefore, it has been classified as a Variant of Uncertain Significance.

CeGaT Center for Human Genetics Tuebingen
Classification: Uncertain significance. Last evaluated: 2024-09-01. Review status: criteria provided, single submitter. Criteria: CeGaT Center For Human Genetics Tuebingen Variant Classification Criteria Version 2. Collection method: clinical testing. Allele origin: germline. Affected: yes. Observed: 2 variant alleles.
Comment: FBXO7: PM2, BP4

Illumina Laboratory Services, Illumina
Classification: Uncertain significance for Parkinsonian-pyramidal syndrome. Last evaluated: 2018-01-13. Review status: criteria provided, single submitter. Criteria: ICSL Variant Classification Criteria 13 December 2019. Collection method: clinical testing. Allele origin: germline.

Dr. Peter K. Rogan Lab, Western University
No classification provided (evidence only). Condition: Familial cancer of breast. Review status: no classification provided. Collection method: in vitro. Allele origin: not applicable. Functional consequence: skipped exon, retained intron. Not counted in ClinVar's aggregate classification.

Dr. Peter K. Rogan Lab, Western University
No classification provided (evidence only). Condition: Familial cancer of breast. Review status: no classification provided. Collection method: in vitro. Allele origin: not applicable. Functional consequence: skipped exon, retained intron. Not counted in ClinVar's aggregate classification.

Dr. Peter K. Rogan Lab, Western University
No classification provided (evidence only). Condition: Familial cancer of breast. Review status: no classification provided. Collection method: in vitro. Allele origin: not applicable. Functional consequence: retained intron. Not counted in ClinVar's aggregate classification.

Literature cited by the submitters: PubMed 32707456 (cited by Labcorp Genetics (formerly Invitae), Labcorp).

NM_012179.4(FBXO7):c.274G>C (p.Asp92His)

Gene: FBXO7 (F-box protein 7; plus strand). Cytogenetic location: 22q12.3.
Variant type: single nucleotide variant.
Coding change: c.274G>C on transcript NM_012179.4 (MANE Select); coding-DNA position 274, G replaced by C.
Protein change: p.Asp92His; replaces aspartic acid 92 with histidine.
Molecular consequence: missense variant. On other transcripts: 5 prime UTR variant (1), splice acceptor variant (1).
Genome position (GRCh38, 1-based): chr22:32,479,132, G>C. VCF-style: chr22-32479132-G-C. GRCh37 (hg19) VCF-style: chr22-32875119-G-C.
Other names: c.-69G>C (NM_001257990.2); c.38-1G>C (NM_001033024.2); short protein forms D92H.
Identifiers: ClinVar variation 341308 (VCV000341308.46), dbSNP rs139135860, ClinGen allele CA10201381.